The following is an entry in ClinVar:

NM_006231.4(POLE):c.1773G>A (p.Glu591=)

Gene: POLE (DNA polymerase epsilon, catalytic subunit; minus strand). Cytogenetic location: 12q24.33.
Variant type: single nucleotide variant.
Coding change: c.1773G>A on transcript NM_006231.4 (MANE Select); coding-DNA position 1773, G replaced by A.
Protein change: p.Glu591=; no amino-acid change (glutamic acid 591 retained).
Molecular consequence: synonymous variant.
Genome position (GRCh38, 1-based): chr12:132,672,236, C>T on the plus strand (G>A on the coding strand, the complement: POLE is on the minus strand). VCF-style: chr12-132672236-C-T. GRCh37 (hg19) VCF-style: chr12-133248822-C-T.
Identifiers: ClinVar variation 516043 (VCV000516043.15), dbSNP rs767933490, ClinGen allele CA6893838.

ClinVar aggregate classification (germline): Likely benign. Review status: criteria provided, multiple submitters, no conflicts (2 of 4 stars). 4 submissions from 4 submitters: Likely benign (4). Last evaluated 2026-01-18.

Conditions:
Hereditary cancer-predisposing syndrome. Also called: Hereditary Cancer Syndrome; Tumor predisposition; Hereditary neoplastic syndrome; Neoplastic Syndromes, Hereditary. Identifiers: Orphanet 140162, MedGen C0027672, MeSH D009386, MONDO:0015356.

Allele frequency attached by ClinVar (database versions not stated): gnomAD exomes below 0.00001 and 0.00001; ExAC 0.00001.
gnomAD v4.1: 9 of 1,614,000 alleles (0.00056%); highest among the groups gnomAD compares: Middle Eastern, 0.017%; no homozygotes.

Submissions (4):

Labcorp Genetics (formerly Invitae), Labcorp
Classification: Likely benign. Last evaluated: 2026-01-18. Review status: criteria provided, single submitter. Criteria: Invitae Variant Classification Sherloc (09022015). Collection method: clinical testing. Allele origin: germline.

Blueprint Genetics
Classification: Likely benign. Last evaluated: 2024-03-13. Review status: criteria provided, single submitter. Criteria: ACMG Guidelines, 2015. Collection method: clinical testing. Allele origin: germline.

GeneDx
Classification: Likely benign. Last evaluated: 2018-03-08. Review status: criteria provided, single submitter. Criteria: GeneDx Variant Classification (06012015). Collection method: clinical testing. Allele origin: germline. Affected: yes.
Comment: This variant is considered likely benign or benign based on one or more of the following criteria: it is a conservative change, it occurs at a poorly conserved position in the protein, it is predicted to be benign by multiple in silico algorithms, and/or has population frequency not consistent with disease.

Ambry Genetics
Classification: Likely benign for Hereditary cancer-predisposing syndrome. Last evaluated: 2015-12-08. Review status: criteria provided, single submitter. Criteria: Ambry Variant Classification Scheme 2023. Collection method: clinical testing. Allele origin: germline.